The following is an entry in ClinVar:

NM_016038.4(SBDS):c.496A>G (p.Lys166Glu)

Gene: SBDS (SBDS ribosome maturation factor; minus strand). Cytogenetic location: 7q11.21.
Variant type: single nucleotide variant.
Coding change: c.496A>G on transcript NM_016038.4 (MANE Select); coding-DNA position 496, A replaced by G.
Protein change: p.Lys166Glu; replaces lysine 166 with glutamic acid.
Molecular consequence: missense variant.
Genome position (GRCh38, 1-based): chr7:66,991,265, T>C on the plus strand (A>G on the coding strand, the complement: SBDS is on the minus strand). VCF-style: chr7-66991265-T-C. GRCh37 (hg19) VCF-style: chr7-66456252-T-C.
Other names: short protein forms K166E.
Identifiers: ClinVar variation 3437533 (VCV003437533.1).

ClinVar aggregate classification (germline): Uncertain significance (1 of 4 stars; one submission).

Conditions:
Inborn genetic diseases. Identifiers: MedGen C0950123, MeSH D030342.

gnomAD v4.1: 1 of 1,613,422 alleles (0.000062%); highest among the groups gnomAD compares: African/African-American, 0.0013%; no homozygotes.

Submission:

Ambry Genetics
Classification: Uncertain significance for Inborn genetic diseases. Last evaluated: 2024-11-28. Review status: criteria provided, single submitter. Criteria: Ambry Variant Classification Scheme 2023. Collection method: clinical testing. Allele origin: germline.
Comment: The p.K166E variant (also known as c.496A>G), located in coding exon 4 of the SBDS gene, results from an A to G substitution at nucleotide position 496. The lysine at codon 166 is replaced by glutamic acid, an amino acid with similar properties. This amino acid position is conserved. In addition, this alteration is predicted to be tolerated by in silico analysis. Based on the available evidence, the clinical significance of this variant remains unclear.